The following is an entry in ClinVar:

ClinVar aggregate classification (germline): Pathogenic. Review status: reviewed by expert panel (3 of 4 stars). 4 submissions from 4 submitters: Pathogenic (1). 3 of the submissions do not count toward it. Last evaluated 2017-12-15.

Conditions:
BRCA2-related disorder. Also called: BRCA2-related condition; BRCA2-related disorders. Identifiers: MedGen CN239275.
Hereditary breast ovarian cancer syndrome. Also called: Hereditary breast and ovarian cancer syndrome (HBOC); Breast and ovarian cancer; Hereditary breast and/or ovarian cancer syndrome; Hereditary breast and ovarian cancer; Hereditary breast and ovarian cancer syndrome; BRCA1- and BRCA2-Associated Hereditary Breast and Ovarian Cancer. Identifiers: Orphanet 145, MedGen C0677776, MeSH D061325, MONDO:0003582. Disease mechanism: loss of function.
Breast-ovarian cancer, familial, susceptibility to, 2 (BROVCA2). Also called: BRCA2 Hereditary Breast and Ovarian Cancer. Identifiers: Orphanet 145, MedGen C2675520, MONDO:0012933, OMIM 612555. Disease mechanism: loss of function.
Familial cancer of breast. Also called: Hereditary breast cancer; hereditary breast carcinoma; BREAST CANCER, FAMILIAL. Identifiers: Orphanet 227535, MedGen C0346153, MONDO:0016419, OMIM 114480. Disease mechanism: loss of function.

Submissions (4):

Evidence-based Network for the Interpretation of Germline Mutant Alleles (ENIGMA)
Classification: Pathogenic for Breast-ovarian cancer, familial, susceptibility to, 2. Last evaluated: 2017-12-15. Review status: reviewed by expert panel. Criteria: ENIGMA BRCA1/2 Classification Criteria (2017-06-29). Collection method: curation. Allele origin: germline. Study: ENIGMA.
Comment: Variant allele predicted to encode a truncated non-functional protein.

Institute of Medical Genetics and Applied Genomics, University Hospital Tübingen
Classification: Pathogenic for Familial cancer of breast. Last evaluated: 2025-10-15. Review status: criteria provided, single submitter. Criteria: ACMG Guidelines, 2015. Collection method: clinical testing. Allele origin: germline. Inheritance: Autosomal dominant inheritance. Affected: yes. Not counted in ClinVar's aggregate classification.

GeneKor MSA
Classification: Pathogenic for Hereditary breast ovarian cancer syndrome. Last evaluated: 2025-05-15. Review status: criteria provided, single submitter. Criteria: ACMG Guidelines, 2015. Collection method: clinical testing. Allele origin: germline. Affected: yes. Not counted in ClinVar's aggregate classification.
Comment: This variant is a deletion of 1 nucleotide in exon 11 of the BRCA2 mRNA c.(4769delA), causing a frameshift after codon 1590 and the creation of a premature translation stop signal 27 amino acid residues later, p.(Lys1590Serfs*27). This is expected to result in an absent or disrupted protein product. Truncating variants in the BRCA2 gene are known to be pathogenic (PMID:20104584). This variant is not present in population databases (rs879255328), therefore it has been observed in individuals with breast cancer (PMID:31159747). ClinVar contains entries for this variant where is listed as pathogenic (VCV000252444.4). Based on the classification criteria set by the ACMG and AMP (PMID:25741868) this variant has been classified as pathogenic.

Blueprint Genetics
Classification: Pathogenic for BRCA2-related disorders. Last evaluated: 2024-10-10. Review status: criteria provided, single submitter. Criteria: ACMG Guidelines, 2015. Collection method: clinical testing. Allele origin: germline. Affected: yes. Observed: 1 variant allele. Not counted in ClinVar's aggregate classification.

Literature cited by the submitters: PubMed 20104584 (cited by GeneKor MSA); PubMed 31159747 (cited by GeneKor MSA).

NM_000059.4(BRCA2):c.4769del (p.Lys1590fs)

Gene: BRCA2 (BRCA2 DNA repair associated; plus strand). Cytogenetic location: 13q13.1.
Variant type: Deletion.
Coding change: c.4769del on transcript NM_000059.4 (MANE Select); coding-DNA position 4769, one base deleted (A; older notation c.4769delA).
Protein change: p.Lys1590fs; shifts the reading frame from lysine 1590.
Molecular consequence: frameshift variant.
Genome position (GRCh38, 1-based): chr13:32,339,124, A deleted; the last of 3 consecutive A bases (chr13:32,339,122-32,339,124); deleting any one gives the same sequence. VCF-style (leftmost placement, unchanged base first): chr13-32339121-CA-C. GRCh37 (hg19) VCF-style: chr13-32913258-CA-C.
Other names: c.4769delA (NM_000059.3); short protein forms K1590fs.
Identifiers: ClinVar variation 252444 (VCV000252444.7), dbSNP rs879255328, ClinGen allele CA10585932.